The following is an entry in ClinVar:

ClinVar aggregate classification (germline): Pathogenic/Likely pathogenic. Review status: criteria provided, multiple submitters, no conflicts (2 of 4 stars). 7 submissions from 6 submitters: Pathogenic (1); Likely pathogenic (5). 1 of the submissions does not count toward it. Last evaluated 2025-06-18.

Conditions:
USH2A-related disorder. Also called: USH2A-related disorders; USH2A-related condition. Identifiers: MedGen CN239332.
Usher syndrome type 2A. Also called: RETINAL DISEASE IN USHER SYNDROME TYPE IIA, MODIFIER OF; USHER SYNDROME, TYPE IIA. Identifiers: Orphanet 231178, Orphanet 886, MedGen C1848634, MONDO:0010169, OMIM 276901.
Retinitis pigmentosa 39 (RP39). Identifiers: Orphanet 791, MedGen C3151138, MONDO:0013436, OMIM 613809.

gnomAD v4.1: 1 of 1,613,954 alleles (0.000062%); highest among the groups gnomAD compares: Non-Finnish European, 0.000085%; no homozygotes.

Submissions (7):

Myriad Genetics, Inc.
Classification: Likely pathogenic for USH2A-related disorder. Last evaluated: 2025-06-18. Review status: criteria provided, single submitter. Criteria: Myriad Autosomal Dominant, Autosomal Recessive and X-Linked Classification Criteria (2023). Collection method: clinical testing. Allele origin: unknown.
Comment: NM_206933.2(USH2A):c.14582+1G>C is a variant in a canonical splice site classified as likely pathogenic in the context of USH2A-related disorders. c.14582+1G>C has been observed in a case with relevant disease (PMID: 34906470). Relevant functional assessments of this variant are not available in the literature. c.14582+1G>C has not been observed in referenced population frequency databases. In summary, NM_206933.2(USH2A):c.14582+1G>C is a variant in a canonical splice site in a gene where loss of function is a known mechanism of disease, is predicted to disrupt protein function, and has been observed more frequently in cases with the relevant disease than in healthy populations. Please note: this variant was assessed in the context of healthy population screening.

Genome-Nilou Lab
Classification: Likely pathogenic for Retinitis pigmentosa 39. Last evaluated: 2023-04-11. Review status: criteria provided, single submitter. Criteria: ACMG Guidelines, 2015. Collection method: clinical testing. Allele origin: germline. Affected: no.

Genome-Nilou Lab
Classification: Likely pathogenic for Usher syndrome type 2A. Last evaluated: 2023-04-11. Review status: criteria provided, single submitter. Criteria: ACMG Guidelines, 2015. Collection method: clinical testing. Allele origin: germline. Affected: no.

Labcorp Genetics (formerly Invitae), Labcorp
Classification: Likely pathogenic. Last evaluated: 2022-11-18. Review status: criteria provided, single submitter. Criteria: Invitae Variant Classification Sherloc (09022015). Collection method: clinical testing. Allele origin: germline.
Comment: Disruption of this splice site has been observed in individual(s) with clinical features of USH2A associated conditions (Invitae). In summary, the currently available evidence indicates that the variant is pathogenic, but additional data are needed to prove that conclusively. Therefore, this variant has been classified as Likely Pathogenic. Algorithms developed to predict the effect of sequence changes on RNA splicing suggest that this variant may disrupt the consensus splice site. ClinVar contains an entry for this variant (Variation ID: 549961). This variant is not present in population databases (gnomAD no frequency). This sequence change affects a donor splice site in intron 66 of the USH2A gene. It is expected to disrupt RNA splicing. Variants that disrupt the donor or acceptor splice site typically lead to a loss of protein function (PMID: 16199547), and loss-of-function variants in USH2A are known to be pathogenic (PMID: 10729113, 10909849, 20507924, 25649381).

Blueprint Genetics
Classification: Pathogenic for USH2A-related disorders. Last evaluated: 2022-09-02. Review status: criteria provided, single submitter. Criteria: ACMG Guidelines, 2015. Collection method: clinical testing. Allele origin: germline. Affected: yes. Observed: 4 variant alleles.

Ocular Genomics Institute, Massachusetts Eye and Ear
Classification: Likely pathogenic for Retinitis pigmentosa 39. Last evaluated: 2021-04-08. Review status: criteria provided, single submitter. Criteria: ACMG Guidelines, 2015. Collection method: research. Allele origin: germline. Affected: yes.
Comment: Through a review of available evidence we were able to apply the following criteria: PVS1, PM2. Based on this evidence we have classified this variant as Likely Pathogenic.

Counsyl
Classification: Likely pathogenic for Usher syndrome type 2A; Retinitis pigmentosa 39. Last evaluated: 2018-04-25. Review status: no assertion criteria provided. Collection method: clinical testing. Allele origin: unknown. Not counted in ClinVar's aggregate classification.

Literature cited by the submitters: PubMed 34906470 (cited by Myriad Genetics, Inc.); PubMed 16199547 (cited by Labcorp Genetics (formerly Invitae), Labcorp); PubMed 10729113 (cited by Labcorp Genetics (formerly Invitae), Labcorp); PubMed 10909849 (cited by Labcorp Genetics (formerly Invitae), Labcorp); PubMed 20507924 (cited by Labcorp Genetics (formerly Invitae), Labcorp); PubMed 25649381 (cited by Labcorp Genetics (formerly Invitae), Labcorp).

NM_206933.4(USH2A):c.14582+1G>C

Gene: USH2A (usherin; minus strand). Cytogenetic location: 1q41.
Variant type: single nucleotide variant.
Coding change: c.14582+1G>C on transcript NM_206933.4 (MANE Select); the canonical splice donor site of the intron after coding-DNA position 14582, G replaced by C.
Molecular consequence: splice donor variant.
Genome position (GRCh38, 1-based): chr1:215,648,527, C>G on the plus strand (G>C on the coding strand, the complement: USH2A is on the minus strand). VCF-style: chr1-215648527-C-G. GRCh37 (hg19) VCF-style: chr1-215821869-C-G.
Identifiers: ClinVar variation 549961 (VCV000549961.10), dbSNP rs1553250150, ClinGen allele CA344832977.